The following is an entry in ClinVar:

ClinVar aggregate classification (germline): Uncertain significance. Review status: criteria provided, multiple submitters, no conflicts (2 of 4 stars). 2 submissions from 2 submitters: Uncertain significance (2). Last evaluated 2022-07-03.

Conditions:
Spastic ataxia 2. Also called: Ataxia, spastic, 2, autosomal recessive. Identifiers: Orphanet 397946, MedGen C1969796, MONDO:0012651, OMIM 611302.
Hereditary spastic paraplegia. Also called: Familial spastic paraparesis. Identifiers: Orphanet 685, MedGen C0037773, MONDO:0019064. Disease mechanism: loss of function.

Allele frequency attached by ClinVar (database versions not stated): gnomAD exomes below 0.00001 and 0.00001; ExAC 0.00001; gnomAD 0.00001; TOPMed 0.00001.
gnomAD v4.1: 11 of 1,614,136 alleles (0.00068%); highest among the groups gnomAD compares: Admixed American, 0.0017%; no homozygotes.

Submissions (2):

Labcorp Genetics (formerly Invitae), Labcorp
Classification: Uncertain significance for Spastic ataxia 2. Last evaluated: 2022-07-03. Review status: criteria provided, single submitter. Criteria: Invitae Variant Classification Sherloc (09022015). Collection method: clinical testing. Allele origin: germline.
Comment: This variant is present in population databases (rs760659714, gnomAD 0.002%). In summary, the available evidence is currently insufficient to determine the role of this variant in disease. Therefore, it has been classified as a Variant of Uncertain Significance. Algorithms developed to predict the effect of missense changes on protein structure and function are either unavailable or do not agree on the potential impact of this missense change (SIFT: "Deleterious"; PolyPhen-2: "Benign"; Align-GVGD: "Class C0"). ClinVar contains an entry for this variant (Variation ID: 1344395). This variant has not been reported in the literature in individuals affected with KIF1C-related conditions. This sequence change replaces proline, which is neutral and non-polar, with leucine, which is neutral and non-polar, at codon 615 of the KIF1C protein (p.Pro615Leu).

Genome Diagnostics Laboratory, The Hospital for Sick Children
Classification: Uncertain significance for Hereditary spastic paraplegia. Last evaluated: 2020-01-02. Review status: criteria provided, single submitter. Criteria: ACMG Guidelines, 2015. Collection method: clinical testing. Allele origin: germline. Affected: yes.

NM_006612.6(KIF1C):c.1844C>T (p.Pro615Leu)

Genes: KIF1C (kinesin family member 1C; plus strand), LOC126862473 (CDK7 strongly-dependent group 2 enhancer GRCh37_chr17:4923264-4924463; plus strand). Cytogenetic location: 17p13.2.
Variant type: single nucleotide variant.
Coding change: c.1844C>T on transcript NM_006612.6 (MANE Select); coding-DNA position 1844, C replaced by T.
Protein change: p.Pro615Leu; replaces proline 615 with leucine.
Molecular consequence: missense variant.
Genome position (GRCh38, 1-based): chr17:5,020,585, C>T. VCF-style: chr17-5020585-C-T. GRCh37 (hg19) VCF-style: chr17-4923880-C-T.
Other names: short protein forms P615L.
Identifiers: ClinVar variation 1344395 (VCV001344395.8), dbSNP rs760659714, ClinGen allele CA8319131.